The following is an entry in ClinVar:

NM_014855.3(AP5Z1):c.1803C>G (p.His601Gln)

Gene: AP5Z1 (adaptor related protein complex 5 subunit zeta 1; plus strand). Cytogenetic location: 7p22.1.
Variant type: single nucleotide variant.
Coding change: c.1803C>G on transcript NM_014855.3 (MANE Select); coding-DNA position 1803, C replaced by G.
Protein change: p.His601Gln; replaces histidine 601 with glutamine.
Molecular consequence: missense variant. On other transcripts: non-coding transcript variant (1).
Genome position (GRCh38, 1-based): chr7:4,789,927, C>G. VCF-style: chr7-4789927-C-G. GRCh37 (hg19) VCF-style: chr7-4829558-C-G.
Other names: c.1803C>G, p.His601Gln (LRG_1247t1); c.1335C>G, p.His445Gln (NM_001364858.1); short protein forms H601Q, H445Q.
Identifiers: ClinVar variation 577245 (VCV000577245.8), dbSNP rs1562413667, ClinGen allele CA366663813.

ClinVar aggregate classification (germline): Uncertain significance (1 of 4 stars; one submission).

Conditions:
Hereditary spastic paraplegia 48. Also called: Spastic paraplegia 48; SPASTIC PARAPLEGIA 48, AUTOSOMAL RECESSIVE. Identifiers: Orphanet 306511, MedGen C3150901, MONDO:0013342, OMIM 613647.

Allele frequency attached by ClinVar (database versions not stated): gnomAD exomes 0.00001.
gnomAD v4.1: 3 of 1,537,010 alleles (0.0002%); highest among the groups gnomAD compares: Non-Finnish European, 0.00026%; no homozygotes.

Submission:

Labcorp Genetics (formerly Invitae), Labcorp
Classification: Uncertain significance for Hereditary spastic paraplegia 48. Last evaluated: 2018-06-21. Review status: criteria provided, single submitter. Criteria: Invitae Variant Classification Sherloc (09022015). Collection method: clinical testing. Allele origin: germline.
Comment: In summary, the available evidence is currently insufficient to determine the role of this variant in disease. Therefore, it has been classified as a Variant of Uncertain Significance. Algorithms developed to predict the effect of sequence changes on RNA splicing suggest that this variant may create or strengthen a splice site, but this prediction has not been confirmed by published transcriptional studies. Algorithms developed to predict the effect of missense changes on protein structure and function are either unavailable or do not agree on the potential impact of this missense change (SIFT: "Deleterious"; PolyPhen-2: "Benign"; Align-GVGD: "Class C0"). This variant has not been reported in the literature in individuals with AP5Z1-related disease. This variant is not present in population databases (ExAC no frequency). This sequence change replaces histidine with glutamine at codon 601 of the AP5Z1 protein (p.His601Gln). The histidine residue is highly conserved and there is a small physicochemical difference between histidine and glutamine.